The following is an entry in ClinVar:

ClinVar aggregate classification (germline): Uncertain significance. Review status: criteria provided, multiple submitters, no conflicts (2 of 4 stars). 3 submissions from 3 submitters: Uncertain significance (3). Last evaluated 2024-07-03.

Conditions:
Inborn genetic diseases. Identifiers: MedGen C0950123, MeSH D030342.

Allele frequency attached by ClinVar (database versions not stated): gnomAD 0.00005; ESP Exome Variant Server 0.00008; gnomAD exomes 0.00010 and 0.00011; ExAC 0.00013; TOPMed 0.00017.
gnomAD v4.1: 167 of 1,572,658 alleles (0.011%); highest among the groups gnomAD compares: Admixed American, 0.021%; no homozygotes.

Submissions (3):

GeneDx
Classification: Uncertain significance. Last evaluated: 2024-07-03. Review status: criteria provided, single submitter. Criteria: GeneDx Variant Classification Process June 2021. Collection method: clinical testing. Allele origin: germline. Affected: yes.
Comment: In silico analysis indicates that this missense variant does not alter protein structure/function; Has not been previously published as pathogenic or benign to our knowledge

Ambry Genetics
Classification: Uncertain significance for Inborn genetic diseases. Last evaluated: 2023-04-04. Review status: criteria provided, single submitter. Criteria: Ambry Variant Classification Scheme 2023. Collection method: clinical testing. Allele origin: germline.

Genetic Services Laboratory, University of Chicago
Classification: Uncertain significance. Last evaluated: 2017-11-02. Review status: criteria provided, single submitter. Criteria: ACMG Guidelines, 2015. Collection method: clinical testing. Allele origin: germline. Affected: no.

NM_001271938.2(MEGF8):c.2782G>A (p.Ala928Thr)

Gene: MEGF8 (multiple EGF like domains 8; plus strand). Cytogenetic location: 19q13.2.
Variant type: single nucleotide variant.
Coding change: c.2782G>A on transcript NM_001271938.2 (MANE Select); coding-DNA position 2782, G replaced by A.
Protein change: p.Ala928Thr; replaces alanine 928 with threonine.
Molecular consequence: missense variant.
Genome position (GRCh38, 1-based): chr19:42,351,261, G>A. VCF-style: chr19-42351261-G-A. GRCh37 (hg19) VCF-style: chr19-42855413-G-A.
Other names: c.2581G>A, p.Ala861Thr (NM_001410.3); short protein forms A861T, A928T.
Identifiers: ClinVar variation 1338693 (VCV001338693.7), dbSNP rs372083317, ClinGen allele CA9474805.